The following is an entry in ClinVar:

NM_004736.4(XPR1):c.1975C>T (p.Arg659Trp)

Gene: XPR1 (xenotropic and polytropic retrovirus receptor 1; plus strand). Cytogenetic location: 1q25.3.
Variant type: single nucleotide variant.
Coding change: c.1975C>T on transcript NM_004736.4 (MANE Select); coding-DNA position 1975, C replaced by T.
Protein change: p.Arg659Trp; replaces arginine 659 with tryptophan.
Molecular consequence: missense variant. On other transcripts: non-coding transcript variant (1).
Genome position (GRCh38, 1-based): chr1:180,880,242, C>T. VCF-style: chr1-180880242-C-T. GRCh37 (hg19) VCF-style: chr1-180849378-C-T.
Other names: c.1975C>T (NM_004736.3); c.1780C>T, p.Arg594Trp (NM_001135669.2); short protein forms R594W, R659W.
Identifiers: ClinVar variation 1655345 (VCV001655345.13), dbSNP rs200954931, ClinGen allele CA1272873.

ClinVar aggregate classification (germline): Conflicting classifications of pathogenicity. Review status: criteria provided, conflicting classifications (1 of 4 stars). 4 submissions from 4 submitters: Uncertain significance (2); Likely benign (2). Last evaluated 2025-11-14.

Allele frequency attached by ClinVar (database versions not stated): gnomAD exomes 0.00006 and 0.00015; gnomAD 0.00007; ExAC 0.00010; TOPMed 0.00011.
gnomAD v4.1: 107 of 1,614,040 alleles (0.0066%); highest among the groups gnomAD compares: Admixed American, 0.005%; 1 homozygote.

Submissions (4):

Women's Health and Genetics/Laboratory Corporation of America, LabCorp
Classification: Likely benign. Last evaluated: 2025-11-14. Review status: criteria provided, single submitter. Criteria: LabCorp Variant Classification Summary - May 2015. Collection method: clinical testing. Allele origin: germline.
Comment: Variant summary: XPR1 c.1975C>T (p.Arg659Trp) results in a non-conservative amino acid change in the encoded protein sequence. Algorithms developed to predict the effect of missense changes on protein structure and function are either unavailable or do not agree on the potential impact of this missense change. The variant allele was found at a frequency of 0.00013 in 282884 control chromosomes, predominantly at a frequency of 0.0027 within the Ashkenazi Jewish subpopulation in the gnomAD database, including 1 homozygotes. The observed variant frequency within Ashkenazi Jewish control individuals in the gnomAD database exceeds the estimated maximal expected allele frequency for disease-causing variants in XPR1. To our knowledge, no occurrence of c.1975C>T in individuals affected with XPR1-related conditions and no experimental evidence demonstrating its impact on protein function have been reported. ClinVar contains an entry for this variant (Variation ID: 1655345). Based on the evidence outlined above, the variant was classified as likely benign.

Labcorp Genetics (formerly Invitae), Labcorp
Classification: Likely benign. Last evaluated: 2024-12-06. Review status: criteria provided, single submitter. Criteria: Invitae Variant Classification Sherloc (09022015). Collection method: clinical testing. Allele origin: germline.

GeneDx
Classification: Uncertain significance. Last evaluated: 2024-05-06. Review status: criteria provided, single submitter. Criteria: GeneDx Variant Classification Process June 2021. Collection method: clinical testing. Allele origin: germline. Affected: yes.
Comment: In silico analysis supports that this missense variant has a deleterious effect on protein structure/function; Has not been previously published as pathogenic or benign to our knowledge

Laboratorio de Genetica e Diagnostico Molecular, Hospital Israelita Albert Einstein
Classification: Uncertain significance. Last evaluated: 2019-10-09. Review status: criteria provided, single submitter. Criteria: ACMG Guidelines, 2015. Collection method: clinical testing. Allele origin: germline. Affected: yes.